The following is an entry in ClinVar:

ClinVar aggregate classification (germline): Uncertain significance. Review status: criteria provided, multiple submitters, no conflicts (2 of 4 stars). 3 submissions from 2 submitters: Uncertain significance (3). Last evaluated 2025-06-25.

Conditions:
IMAGe syndrome. Also called: Intrauterine growth retardation, metaphyseal dysplasia, adrenal hypoplasia congenita, and genital anomalies; Intrauterine Growth Restriction, Metaphyseal Dysplasia, Adrenal Hypoplasia Congenita, and Genital Anomalies. Identifiers: Orphanet 85173, MedGen C1846009, MONDO:0013873, OMIM 614732.
Beckwith-Wiedemann syndrome (BWS). Also called: Exomphalos macroglossia gigantism syndrome; EMG SYNDROME. Identifiers: Orphanet 116, MedGen C0004903, MONDO:0007534, OMIM 130650.

Allele frequency attached by ClinVar (database versions not stated): gnomAD 0.00003; gnomAD exomes 0.00004 and 0.00009; 1000 Genomes Project 30x 0.00031; 1000 Genomes Project 0.00040; ExAC below 0.00001.

Submissions (3):

Labcorp Genetics (formerly Invitae), Labcorp
Classification: Uncertain significance for Beckwith-Wiedemann syndrome. Last evaluated: 2025-06-25. Review status: criteria provided, single submitter. Criteria: Invitae Variant Classification Sherloc (09022015). Collection method: clinical testing. Allele origin: germline.
Comment: This sequence change replaces proline, which is neutral and non-polar, with serine, which is neutral and polar, at codon 117 of the CDKN1C protein (p.Pro117Ser). This variant is present in population databases (rs570636789, gnomAD 0.04%). This variant has not been reported in the literature in individuals affected with CDKN1C-related conditions. ClinVar contains an entry for this variant (Variation ID: 453994). Invitae Evidence Modeling of protein sequence and biophysical properties (such as structural, functional, and spatial information, amino acid conservation, physicochemical variation, residue mobility, and thermodynamic stability) indicates that this missense variant is not expected to disrupt CDKN1C protein function with a negative predictive value of 80%. In summary, the available evidence is currently insufficient to determine the role of this variant in disease. Therefore, it has been classified as a Variant of Uncertain Significance.

Baylor Genetics
Classification: Uncertain significance for Beckwith-Wiedemann syndrome. Last evaluated: 2022-07-15. Review status: criteria provided, single submitter. Criteria: ACMG Guidelines, 2015. Collection method: clinical testing. Allele origin: unknown.

Baylor Genetics
Classification: Uncertain significance for IMAGe syndrome. Last evaluated: 2022-07-15. Review status: criteria provided, single submitter. Criteria: ACMG Guidelines, 2015. Collection method: clinical testing. Allele origin: unknown.

NM_001122630.2(CDKN1C):c.316C>T (p.Pro106Ser)

Gene: CDKN1C (cyclin dependent kinase inhibitor 1C; minus strand). Cytogenetic location: 11p15.4.
Variant type: single nucleotide variant.
Coding change: c.316C>T on transcript NM_001122630.2 (MANE Select); coding-DNA position 316, C replaced by T.
Protein change: p.Pro106Ser; replaces proline 106 with serine.
Molecular consequence: missense variant. On other transcripts: intron variant (1).
Genome position (GRCh38, 1-based): chr11:2,885,141, G>A on the plus strand (C>T on the coding strand, the complement: CDKN1C is on the minus strand). VCF-style: chr11-2885141-G-A. GRCh37 (hg19) VCF-style: chr11-2906371-G-A.
Other names: c.349C>T, p.Pro117Ser (LRG_533t1, NM_000076.2, NM_001362474.2); c.316C>T, p.Pro106Ser (NM_001122631.2); c.255+61C>T (NM_001362475.2); short protein forms P117S, P106S.
Identifiers: ClinVar variation 453994 (VCV000453994.10), dbSNP rs570636789, ClinGen allele CA5822214.